The following is an entry in ClinVar:

NM_001369.3(DNAH5):c.5632_5633del (p.Leu1878fs)

Gene: DNAH5 (dynein axonemal heavy chain 5; minus strand). Cytogenetic location: 5p15.2.
Variant type: Deletion.
Coding change: c.5632_5633del on transcript NM_001369.3 (MANE Select); coding-DNA positions 5632 to 5633, 2 bases deleted (CT; older notation c.5632_5633delCT).
Protein change: p.Leu1878fs; shifts the reading frame from leucine 1878.
Molecular consequence: frameshift variant.
Genome position (GRCh38, 1-based): chr5:13,840,982-13,840,983, AG deleted on the plus strand (CT on the coding strand, the reverse complement: DNAH5 is on the minus strand); deleting any 2 consecutive bases within chr5:13,840,982-13,840,984 gives the same sequence; the c. name uses the placement nearest the transcript's 3' end. VCF-style (leftmost placement, unchanged base first): chr5-13840981-CAG-C. GRCh37 (hg19) VCF-style: chr5-13841090-CAG-C.
Other names: c.5632_5633del (NM_001369.2); short protein forms L1878fs.
Identifiers: ClinVar variation 3591779 (VCV003591779.2).

ClinVar aggregate classification (germline): Likely pathogenic. Review status: criteria provided, multiple submitters, no conflicts (2 of 4 stars). 2 submissions from 2 submitters: Likely pathogenic (2). Last evaluated 2024-05-13.

Conditions:
Primary ciliary dyskinesia. Also called: Ciliary dyskinesia. Identifiers: Orphanet 244, MedGen C0008780, MONDO:0016575, HP:0012265.
Primary ciliary dyskinesia 3. Identifiers: Orphanet 244, MedGen C1837618, MONDO:0012085, OMIM 608644.

Submissions (2):

Natera, Inc.
Classification: Likely pathogenic for Primary ciliary dyskinesia. Last evaluated: 2024-05-13. Review status: criteria provided, single submitter. Criteria: Natera Variant Classification Schema (03/2026). Collection method: clinical testing. Allele origin: germline.
Comment: The c.5632_5633del variant in DNAH5 is a frameshift variant predicted to shift the reading frame beginning at codon 1878 and leads to a stop codon 23 codons downstream. This variant is expected to result in nonsense mediated decay, truncation, or a dysfunctional protein product. This variant is rare in the general population with a frequency below the threshold expected for the associated phenotype(s). Given the available evidence, this variant is classified as Likely Pathogenic.

Fulgent Genetics
Classification: Likely pathogenic for Primary ciliary dyskinesia 3. Last evaluated: 2024-03-28. Review status: criteria provided, single submitter. Criteria: ACMG Guidelines, 2015. Collection method: clinical testing. Allele origin: germline.